The following is an entry in ClinVar:

NM_000465.4(BARD1):c.22A>C (p.Arg8=)

Gene: BARD1 (BRCA1 associated RING domain 1; minus strand). Cytogenetic location: 2q35.
Variant type: single nucleotide variant.
Coding change: c.22A>C on transcript NM_000465.4 (MANE Select); coding-DNA position 22, A replaced by C.
Protein change: p.Arg8=; no amino-acid change (arginine 8 retained).
Molecular consequence: synonymous variant. On other transcripts: non-coding transcript variant (3).
Genome position (GRCh38, 1-based): chr2:214,809,548, T>G on the plus strand (A>C on the coding strand, the complement: BARD1 is on the minus strand). VCF-style: chr2-214809548-T-G. GRCh37 (hg19) VCF-style: chr2-215674272-T-G.
Other names: c.22A>C, p.Arg8= (NM_001282543.2, NM_001282545.2, NM_001282548.2 and 1 more transcripts).
Identifiers: ClinVar variation 3379004 (VCV003379004.1).

ClinVar aggregate classification (germline): Benign (1 of 4 stars; one submission).

Conditions:
Familial cancer of breast. Also called: hereditary breast carcinoma; Hereditary breast cancer; BREAST CANCER, FAMILIAL. Identifiers: Orphanet 227535, MedGen C0346153, MONDO:0016419, OMIM 114480. Disease mechanism: loss of function.

Submission:

Myriad Genetics, Inc.
Classification: Benign for Familial cancer of breast. Last evaluated: 2024-07-18. Review status: criteria provided, single submitter. Criteria: Myriad Autosomal Dominant, Autosomal Recessive and X-Linked Classification Criteria (2023). Collection method: clinical testing. Allele origin: unknown.
Comment: This variant is considered benign. This variant is a silent/synonymous amino acid change and it is not expected to impact splicing.